The following is an entry in ClinVar:

NM_001142864.4(PIEZO1):c.274G>A (p.Gly92Arg)

Gene: PIEZO1 (piezo type mechanosensitive ion channel component 1 (Er blood group); minus strand). Cytogenetic location: 16q24.3.
Variant type: single nucleotide variant.
Coding change: c.274G>A on transcript NM_001142864.4 (MANE Select); coding-DNA position 274, G replaced by A.
Protein change: p.Gly92Arg; replaces glycine 92 with arginine.
Molecular consequence: missense variant.
Genome position (GRCh38, 1-based): chr16:88,742,309, C>T on the plus strand (G>A on the coding strand, the complement: PIEZO1 is on the minus strand). VCF-style: chr16-88742309-C-T. GRCh37 (hg19) VCF-style: chr16-88808717-C-T.
Other names: short protein forms G92R.
Identifiers: ClinVar variation 4772570 (VCV004772570.1).

ClinVar aggregate classification (germline): Uncertain significance (1 of 4 stars; one submission).

gnomAD v4.1: 2 of 1,533,452 alleles (0.00013%); highest among the groups gnomAD compares: Non-Finnish European, 0.00017%; no homozygotes.

Submission:

Labcorp Genetics (formerly Invitae), Labcorp
Classification: Uncertain significance. Last evaluated: 2026-01-26. Review status: criteria provided, single submitter. Criteria: Invitae Variant Classification Sherloc (09022015). Collection method: clinical testing. Allele origin: germline.
Comment: This sequence change replaces glycine, which is neutral and non-polar, with arginine, which is basic and polar, at codon 92 of the PIEZO1 protein (p.Gly92Arg). This variant is not present in population databases (gnomAD no frequency). This variant has not been reported in the literature in individuals affected with PIEZO1-related conditions. Invitae Evidence Modeling of protein sequence and biophysical properties (such as structural, functional, and spatial information, amino acid conservation, physicochemical variation, residue mobility, and thermodynamic stability) indicates that this missense variant is not expected to disrupt PIEZO1 protein function with a negative predictive value of 95%. In summary, the available evidence is currently insufficient to determine the role of this variant in disease. Therefore, it has been classified as a Variant of Uncertain Significance.